The following is an entry in ClinVar:

ClinVar aggregate classification (germline): Uncertain significance. Review status: criteria provided, multiple submitters, no conflicts (2 of 4 stars). 4 submissions from 4 submitters: Uncertain significance (4). Last evaluated 2025-09-22.

Conditions:
Cardiovascular phenotype. Identifiers: MedGen CN230736.
Cardiomyopathy (CMYO). Also called: Cardiomyopathies. Identifiers: Orphanet 167848, MedGen C0878544, MONDO:0004994, HP:0001638. Inheritance: Various modes of inheritance.
Hypertrophic cardiomyopathy. Also called: HYPERTROPHIC MYOCARDIOPATHY. Identifiers: Orphanet 217569, MedGen C0007194, MeSH D002312, MONDO:0005045, HP:0001639.

Allele frequency attached by ClinVar (database versions not stated): gnomAD 0.00001; gnomAD exomes below 0.00001; TOPMed below 0.00001.
gnomAD v4.1: 2 of 1,614,058 alleles (0.00012%); highest among the groups gnomAD compares: Non-Finnish European, 0.00017%; no homozygotes.

Submissions (4):

Labcorp Genetics (formerly Invitae), Labcorp
Classification: Uncertain significance for Hypertrophic cardiomyopathy. Last evaluated: 2025-09-22. Review status: criteria provided, single submitter. Criteria: Invitae Variant Classification Sherloc (09022015). Collection method: clinical testing. Allele origin: germline.
Comment: This sequence change creates a premature translational stop signal (p.Lys635*) in the MYH7 gene. It is expected to result in an absent or disrupted protein product. However, the current clinical and genetic evidence is not sufficient to establish whether loss-of-function variants in MYH7 cause disease. This variant is not present in population databases (gnomAD no frequency). This premature translational stop signal has been observed in individual(s) with MYH7-related conditions (PMID: 21750094, 28798025). ClinVar contains an entry for this variant (Variation ID: 922016). In summary, the available evidence is currently insufficient to determine the role of this variant in disease. Therefore, it has been classified as a Variant of Uncertain Significance.

Color Diagnostics, LLC DBA Color Health
Classification: Uncertain significance for Cardiomyopathy. Last evaluated: 2025-06-24. Review status: criteria provided, single submitter. Criteria: ACMG Guidelines, 2015. Collection method: clinical testing. Allele origin: germline.
Comment: This variant changes 1 nucleotide in exon 17 of the MYH7 gene, creating a premature translation stop signal. This variant is expected to result in an absent or non-functional protein product. This variant has been reported in an individual affected with dilated cardiomyopathy (PMID: 21750094) and in an individual affected with left ventricular noncompaction (PMID: 28798025, 33500567). This variant has not been identified in the general population by the Genome Aggregation Database (gnomAD). Clinical relevance of loss-of-function MYH7 truncation variants in autosomal dominant cardiovascular disorders is not clearly established. The available evidence is insufficient to determine the role of this variant in disease conclusively. Therefore, this variant is classified as a Variant of Uncertain Significance.

All of Us Research Program, National Institutes of Health
Classification: Uncertain significance for Cardiomyopathy. Last evaluated: 2023-12-13. Review status: criteria provided, single submitter. Criteria: ACMG Guidelines, 2015. Collection method: clinical testing. Allele origin: germline. Inheritance: Autosomal dominant inheritance. Observed: 2 variant alleles, 2 heterozygotes.
Comment: This variant changes 1 nucleotide in exon 17 of the MYH7 gene, creating a premature translation stop signal. This variant is expected to result in an absent or non-functional protein product. This variant has been reported in an individual affected with dilated cardiomyopathy (PMID: 21750094) and in an individual affected with left ventricular noncompaction (PMID: 28798025). This variant has not been identified in the general population by the Genome Aggregation Database (gnomAD). Clinical relevance of loss-of-function MYH7 truncation variants in autosomal dominant cardiovascular disorders is not clearly established. The available evidence is insufficient to determine the role of this variant in disease conclusively. Therefore, this variant is classified as a Variant of Uncertain Significance.

This study involves interpretation of variants in research participants for the purpose of population health screening. Participant phenotype was not available at the time of variant classification. Additional details can be found in publication PMID: 35346344, PMCID: PMC8962531

Ambry Genetics
Classification: Uncertain significance for Cardiovascular phenotype. Last evaluated: 2021-02-19. Review status: criteria provided, single submitter. Criteria: Ambry Variant Classification Scheme 2023. Collection method: clinical testing. Allele origin: germline.
Comment: The p.K635* variant (also known as c.1903A>T), located in coding exon 15 of the MYH7 gene, results from an A to T substitution at nucleotide position 1903. This changes the amino acid from a lysine to a stop codon within coding exon 15. This variant has been detected in patients reported to have dilated cardiomyopathy or left ventricular noncompaction cardiomyopathy (Waldm&uuml;ller S et al. Eur J Heart Fail, 2011 Nov;13:1185-92; Miszalski-Jamka K et al. Circ Cardiovasc Genet, 2017 Aug;10). This alteration is expected to result in premature protein truncation or nonsense-mediated mRNA decay. However, loss of function of MYH7 has not been clearly established as a mechanism of disease. Since supporting evidence is limited at this time, the clinical significance of this alteration remains unclear.

Literature cited by the submitters: PubMed 21750094 (cited by 4 submitters); PubMed 28798025 (cited by 4 submitters); PubMed 33500567 (cited by Color Diagnostics, LLC DBA Color Health and Ambry Genetics); PubMed 25525159 (cited by Ambry Genetics).

NM_000257.4(MYH7):c.1903A>T (p.Lys635Ter)

Gene: MYH7 (myosin heavy chain 7; minus strand). Cytogenetic location: 14q11.2.
Variant type: single nucleotide variant.
Coding change: c.1903A>T on transcript NM_000257.4 (MANE Select); coding-DNA position 1903, A replaced by T.
Protein change: p.Lys635Ter; replaces lysine 635 with a stop codon.
Molecular consequence: nonsense.
Genome position (GRCh38, 1-based): chr14:23,427,293, T>A on the plus strand (A>T on the coding strand, the complement: MYH7 is on the minus strand). VCF-style: chr14-23427293-T-A. GRCh37 (hg19) VCF-style: chr14-23896502-T-A.
Other names: short protein forms K635*.
Identifiers: ClinVar variation 922016 (VCV000922016.14), dbSNP rs1430156584, ClinGen allele CA389049570.